The following is an entry in ClinVar:

ClinVar aggregate classification (germline): Likely benign. Review status: criteria provided, multiple submitters, no conflicts (2 of 4 stars). 2 submissions from 2 submitters: Likely benign (2). Last evaluated 2024-06-01.

Submissions (2):

CeGaT Center for Human Genetics Tuebingen
Classification: Likely benign. Last evaluated: 2024-06-01. Review status: criteria provided, single submitter. Criteria: CeGaT Center For Human Genetics Tuebingen Variant Classification Criteria Version 2. Collection method: clinical testing. Allele origin: germline. Affected: yes. Observed: 1 variant allele.
Comment: MYBPC3: PM2:Supporting, BP4, BP7

Laboratory for Molecular Medicine, Mass General Brigham Personalized Medicine
Classification: Likely benign. Last evaluated: 2010-06-25. Review status: criteria provided, single submitter. Criteria: LMM Criteria. Collection method: clinical testing. Allele origin: germline. Observed: 1 variant allele.
Comment: This variant is not expected to have clinical significance because it is not loc ated in the conserved region of the splicing consensus sequence.

NM_000256.3(MYBPC3):c.1719T>G (p.Val573=)

Gene: MYBPC3 (myosin binding protein C3; minus strand). Cytogenetic location: 11p11.2.
Variant type: single nucleotide variant.
Coding change: c.1719T>G on transcript NM_000256.3 (MANE Select); coding-DNA position 1719, T replaced by G.
Protein change: p.Val573=; no amino-acid change (valine 573 retained).
Molecular consequence: synonymous variant.
Genome position (GRCh38, 1-based): chr11:47,342,062, A>C on the plus strand (T>G on the coding strand, the complement: MYBPC3 is on the minus strand). VCF-style: chr11-47342062-A-C. GRCh37 (hg19) VCF-style: chr11-47363613-A-C.
Identifiers: ClinVar variation 42561 (VCV000042561.22), dbSNP rs397515921, ClinGen allele CA010977.